The following is an entry in ClinVar:

NC_000006.12:g.99598927A>G

Gene: PRDM13 (PR/SET domain 13; plus strand). Cytogenetic location: 6q16.2.
Variant type: single nucleotide variant.
Genome position: GRCh38 VCF-style: chr6-99598927-A-G. GRCh37 (hg19) VCF-style: chr6-100046803-A-G.
Identifiers: ClinVar variation 4893479 (VCV004893479.2).

ClinVar aggregate classification (germline): Conflicting classifications of pathogenicity. Review status: criteria provided, conflicting classifications (1 of 4 stars). 2 submissions from 2 submitters: Uncertain significance (1); Likely benign (1). Last evaluated 2026-09-02.

Conditions:
PRDM13-related disorder. Also called: PRDM13-related condition.

Submissions (2):

PreventionGenetics, part of Exact Sciences
Classification: Likely benign for PRDM13-related condition. Last evaluated: 2026-09-02. Review status: criteria provided, single submitter. Criteria: ACMG Guidelines, 2015. Collection method: clinical testing. Allele origin: germline.
Comment: This variant is classified as likely benign based on ACMG/AMP sequence variant interpretation guidelines (Richards et al. 2015 PMID: 25741868, with internal and published modifications).

Blueprint Genetics
Classification: Uncertain significance. Last evaluated: 2024-08-08. Review status: criteria provided, single submitter. Criteria: ACMG Guidelines, 2015. Collection method: clinical testing. Allele origin: germline.